The following continues an entry in ClinVar:

NM_001267550.2(TTN):c.24820G>A (p.Glu8274Lys)

Gene: TTN. ClinVar aggregate classification (germline): Conflicting classifications of pathogenicity. Uncertain significance (4); Benign (7); Likely benign (6).

Submissions 16 to 24 of 24:

Laboratory for Molecular Medicine, Mass General Brigham Personalized Medicine
Classification: Likely benign. Last evaluated: 2015-03-21. Review status: criteria provided, single submitter. Criteria: LMM Criteria. Collection method: clinical testing. Allele origin: germline. Observed: 7 variant alleles.
Comment: p.Glu7030Lys in exon 83 of TTN: This variant is not expected to have clinical si gnificance because it has been identified in 0.3% (200/65878) of European chromo somes by the Exome Aggregation Consortium (ExAC; dbSNP rs72648981).

Biesecker Lab/Clinical Genomics Section, National Institutes of Health
Classification: Likely benign. Last evaluated: 2013-06-24. Review status: criteria provided, single submitter. Criteria: Ng et al. (Circ Cardiovasc Genet. 2013). Collection method: research. Allele origin: unknown. Observed: 5 variant alleles. Study: ClinSeq.
Comment: The study set was not selected for affection status in relation to any cancer. Pathogenicity categories were based on literature curation. See Pubmed ID:23861362 for details.

Medical sequencing

PreventionGenetics, part of Exact Sciences
Classification: Likely benign for TTN-related condition. Last evaluated: 2021-08-25. Review status: no assertion criteria provided. Collection method: clinical testing. Allele origin: germline. Not counted in ClinVar's aggregate classification.
Comment: This variant is classified as likely benign based on ACMG/AMP sequence variant interpretation guidelines (Richards et al. 2015 PMID: 25741868, with internal and published modifications).

Clinical Genetics DNA and cytogenetics Diagnostics Lab, Erasmus MC, Erasmus Medical Center
Classification: Likely benign. Review status: no assertion criteria provided. Collection method: clinical testing. Allele origin: germline. Affected: yes. Study: VKGL Data-share Consensus. Not counted in ClinVar's aggregate classification.

Clinical Genetics, Academic Medical Center
Classification: Benign. Review status: no assertion criteria provided. Collection method: clinical testing. Allele origin: germline. Affected: yes. Study: VKGL Data-share Consensus. Not counted in ClinVar's aggregate classification.

Diagnostic Laboratory, Department of Genetics, University Medical Center Groningen
Classification: Likely benign. Review status: no assertion criteria provided. Collection method: clinical testing. Allele origin: germline. Affected: yes. Study: VKGL Data-share Consensus. Not counted in ClinVar's aggregate classification.

Dr. Peter K. Rogan Lab, Western University
No classification provided (evidence only). Condition: Gastric cancer. Review status: no classification provided. Collection method: in vitro. Allele origin: not applicable. Functional consequence: retained intron. Not counted in ClinVar's aggregate classification.

Joint Genome Diagnostic Labs from Nijmegen and Maastricht, Radboudumc and MUMC+
Classification: Benign. Review status: no assertion criteria provided. Collection method: clinical testing. Allele origin: germline. Affected: yes. Study: VKGL Data-share Consensus. Not counted in ClinVar's aggregate classification.

Laboratory of Diagnostic Genome Analysis, Leiden University Medical Center (LUMC)
Classification: Likely benign. Review status: no assertion criteria provided. Collection method: clinical testing. Allele origin: germline. Affected: yes. Study: VKGL Data-share Consensus. Not counted in ClinVar's aggregate classification.

Literature cited by the submitters: PubMed 23396983 (cited by Women's Health and Genetics/Laboratory Corporation of America, LabCorp).